The following is an entry in ClinVar:

ClinVar aggregate classification (germline): Uncertain significance (1 of 4 stars; one submission).

Conditions:
Parathyroid carcinoma (PRTC). Also called: CDC73-Related Parathyroid Carcinoma; Parathyroid gland carcinoma. Identifiers: Orphanet 143, MedGen C0687150, MONDO:0012004, OMIM 608266, HP:0006780.

Submission:

Labcorp Genetics (formerly Invitae), Labcorp
Classification: Uncertain significance for Parathyroid carcinoma. Last evaluated: 2022-01-28. Review status: criteria provided, single submitter. Criteria: Invitae Variant Classification Sherloc (09022015). Collection method: clinical testing. Allele origin: germline.
Comment: In summary, the available evidence is currently insufficient to determine the role of this variant in disease. Therefore, it has been classified as a Variant of Uncertain Significance. Algorithms developed to predict the effect of sequence changes on RNA splicing suggest that this variant may create or strengthen a splice site. Algorithms developed to predict the effect of missense changes on protein structure and function (SIFT, PolyPhen-2, Align-GVGD) all suggest that this variant is likely to be tolerated. ClinVar contains an entry for this variant (Variation ID: 936380). This variant has not been reported in the literature in individuals affected with CDC73-related conditions. This variant is not present in population databases (gnomAD no frequency). This sequence change replaces isoleucine, which is neutral and non-polar, with serine, which is neutral and polar, at codon 140 of the CDC73 protein (p.Ile140Ser).

NM_024529.5(CDC73):c.419T>G (p.Ile140Ser)

Gene: CDC73 (cell division cycle 73; plus strand). Cytogenetic location: 1q31.2.
Variant type: single nucleotide variant.
Coding change: c.419T>G on transcript NM_024529.5 (MANE Select); coding-DNA position 419, T replaced by G.
Protein change: p.Ile140Ser; replaces isoleucine 140 with serine.
Molecular consequence: missense variant.
Genome position (GRCh38, 1-based): chr1:193,135,585, T>G. VCF-style: chr1-193135585-T-G. GRCh37 (hg19) VCF-style: chr1-193104715-T-G.
Other names: short protein forms I140S.
Identifiers: ClinVar variation 936380 (VCV000936380.10), dbSNP rs1675778444, ClinGen allele CA343960792.
Genomic context (GRCh38, chr1:193,135,585, plus strand): 5'-TTTCTTTTATAGTCAAACGAGCTGCAGATGAAGTTTTAGCAGAAGCAAAGAAACCACGAA[T>G]TGAGGTAAAGAAACTGTATTTTAAACAATTTTATTTATATTGTTATTGAAATTGGGATTC-3'
Protein context (NP_078805.3, residues 130-150): EVLAEAKKPR[Ile140Ser]EDEECVRLDK